The following is an entry in ClinVar:

ClinVar aggregate classification (germline): Uncertain significance. Review status: criteria provided, multiple submitters, no conflicts (2 of 4 stars). 2 submissions from 2 submitters: Uncertain significance (2). Last evaluated 2024-06-04.

Conditions:
Inborn genetic diseases. Identifiers: MedGen C0950123, MeSH D030342.

Allele frequency attached by ClinVar (database versions not stated): TOPMed 0.00012; 1000 Genomes Project 30x 0.00016.

Submissions (2):

Ambry Genetics
Classification: Uncertain significance for Inborn genetic diseases. Last evaluated: 2024-06-04. Review status: criteria provided, single submitter. Criteria: Ambry Variant Classification Scheme 2023. Collection method: clinical testing. Allele origin: germline.

Women's Health and Genetics/Laboratory Corporation of America, LabCorp
Classification: Uncertain significance. Last evaluated: 2023-10-18. Review status: criteria provided, single submitter. Criteria: LabCorp Variant Classification Summary - May 2015. Collection method: clinical testing. Allele origin: germline.
Comment: Variant summary: KIAA0415 c.1339A>G (p.Thr447Ala) results in a non-conservative amino acid change in the encoded protein sequence. Four of five in-silico tools predict a benign effect of the variant on protein function. The variant was absent in 158572 control chromosomes (gnomAD). The available data on variant occurrences in the general population are insufficient to allow any conclusion about variant significance. To our knowledge, no occurrence of c.1339A>G in individuals affected with Hereditary Spastic Paraplegia and no experimental evidence demonstrating its impact on protein function have been reported. One submitter has cited a clinical-significance assessment for this variant to ClinVar after 2014 and has classified the variant as uncertain significance. Based on the evidence outlined above, the variant was classified as uncertain significance.

NM_014855.3(AP5Z1):c.1339A>G (p.Thr447Ala)

Gene: AP5Z1 (adaptor related protein complex 5 subunit zeta 1; plus strand). Cytogenetic location: 7p22.1.
Variant type: single nucleotide variant.
Coding change: c.1339A>G on transcript NM_014855.3 (MANE Select); coding-DNA position 1339, A replaced by G.
Protein change: p.Thr447Ala; replaces threonine 447 with alanine.
Molecular consequence: missense variant. On other transcripts: non-coding transcript variant (1).
Genome position (GRCh38, 1-based): chr7:4,787,661, A>G. VCF-style: chr7-4787661-A-G. GRCh37 (hg19) VCF-style: chr7-4827292-A-G.
Other names: c.871A>G, p.Thr291Ala (NM_001364858.1); short protein forms T291A, T447A.
Identifiers: ClinVar variation 2375842 (VCV002375842.4), dbSNP rs1037469450, ClinGen allele CA153029062.